The following is an entry in ClinVar:

ClinVar aggregate classification (germline): Pathogenic. Review status: reviewed by expert panel (3 of 4 stars). 16 submissions from 16 submitters: Pathogenic (1). 15 of the submissions do not count toward it. Last evaluated 2016-09-08.

Conditions:
Hereditary cancer-predisposing syndrome. Also called: Tumor predisposition; Neoplastic Syndromes, Hereditary; Hereditary neoplastic syndrome; Hereditary Cancer Syndrome. Identifiers: Orphanet 140162, MedGen C0027672, MeSH D009386, MONDO:0015356.
Breast and/or ovarian cancer. Identifiers: MedGen CN221562.
Hereditary breast ovarian cancer syndrome. Also called: Hereditary breast and ovarian cancer; Hereditary breast and ovarian cancer syndrome (HBOC); Hereditary breast and/or ovarian cancer syndrome; Breast and ovarian cancer; Hereditary breast and ovarian cancer syndrome; BRCA1- and BRCA2-Associated Hereditary Breast and Ovarian Cancer. Identifiers: Orphanet 145, MedGen C0677776, MeSH D061325, MONDO:0003582. Disease mechanism: loss of function.
Breast-ovarian cancer, familial, susceptibility to, 2 (BROVCA2). Also called: BRCA2 Hereditary Breast and Ovarian Cancer. Identifiers: Orphanet 145, MedGen C2675520, MONDO:0012933, OMIM 612555. Disease mechanism: loss of function.
Familial cancer of breast. Also called: Hereditary breast cancer; BREAST CANCER, FAMILIAL; hereditary breast carcinoma. Identifiers: Orphanet 227535, MedGen C0346153, MONDO:0016419, OMIM 114480. Disease mechanism: loss of function.

Allele frequency attached by ClinVar (database versions not stated): gnomAD exomes 0.00001.
gnomAD v4.1: 5 of 1,612,506 alleles (0.00031%); highest among the groups gnomAD compares: Non-Finnish European, 0.00042%; no homozygotes.

Submissions 1 to 9 of 16:

Evidence-based Network for the Interpretation of Germline Mutant Alleles (ENIGMA)
Classification: Pathogenic for Breast-ovarian cancer, familial, susceptibility to, 2. Last evaluated: 2016-09-08. Review status: reviewed by expert panel. Criteria: ENIGMA BRCA1/2 Classification Criteria (2015). Collection method: curation. Allele origin: germline.
Comment: Variant allele predicted to encode a truncated non-functional protein.

Labcorp Genetics (formerly Invitae), Labcorp
Classification: Pathogenic for Hereditary breast ovarian cancer syndrome. Last evaluated: 2025-05-05. Review status: criteria provided, single submitter. Criteria: Invitae Variant Classification Sherloc (09022015). Collection method: clinical testing. Allele origin: germline. Not counted in ClinVar's aggregate classification.
Comment: This sequence change creates a premature translational stop signal (p.Tyr803*) in the BRCA2 gene. It is expected to result in an absent or disrupted protein product. Loss-of-function variants in BRCA2 are known to be pathogenic (PMID: 20104584). This variant is not present in population databases (gnomAD no frequency). This premature translational stop signal has been observed in individual(s) with ovarian cancer (PMID: 21324516, 22711857). ClinVar contains an entry for this variant (Variation ID: 37784). For these reasons, this variant has been classified as Pathogenic.

Ambry Genetics
Classification: Pathogenic for Hereditary cancer-predisposing syndrome. Last evaluated: 2023-07-04. Review status: criteria provided, single submitter. Criteria: Ambry Variant Classification Scheme 2023. Collection method: clinical testing. Allele origin: germline. Not counted in ClinVar's aggregate classification.
Comment: The p.Y803* pathogenic mutation (also known as c.2409T>G), located in coding exon 10 of the BRCA2 gene, results from a T to G substitution at nucleotide position 2409. This changes the amino acid from a tyrosine to a stop codon within coding exon 10. This alteration was identified in multiple cohorts of individuals diagnosed with ovarian cancer (Zhang S et al. Gynecol. Oncol. 2011 May;121(2):353-7; Alsop K et al. J. Clin. Oncol. 2012 Jul;30(21):2654-63). This alteration was also identified in a large, worldwide study of BRCA1/2 mutation positive families (Rebbeck TR et al. Hum. Mutat., 2018 05;39:593-620) and in 1/50726 patients from an unselected population cohort from a single health system who underwent exome sequencing (Manickam K et al. JAMA Netw Open, 2018 09;1:e182140). Of note, this alteration is also designated as 2637T>G in published literature. In addition to the clinical data presented in the literature, this alteration is expected to result in loss of function by premature protein truncation or nonsense-mediated mRNA decay. As such, this alteration is interpreted as a disease-causing mutation.

Women's Health and Genetics/Laboratory Corporation of America, LabCorp
Classification: Pathogenic for Hereditary breast ovarian cancer syndrome. Last evaluated: 2022-10-14. Review status: criteria provided, single submitter. Criteria: LabCorp Variant Classification Summary - May 2015. Collection method: clinical testing. Allele origin: germline. Not counted in ClinVar's aggregate classification.
Comment: Variant summary: BRCA2 c.2409T>G (p.Tyr803X) results in a premature termination codon, predicted to cause a truncation of the encoded protein or absence of the protein due to nonsense mediated decay, which are commonly known mechanisms for disease. Truncations downstream of this position have been classified as pathogenic by our laboratory. The variant was absent in 248736 control chromosomes. c.2409T>G has been reported in the literature in multiple individuals affected with Hereditary Breast And Ovarian Cancer Syndrome (e.g. Hondow_2011, Zhang_2011, Rebbeck_2018, Hollis_2020). These data indicate that the variant is very likely to be associated with disease. Ten clinical diagnostic laboratories have submitted clinical-significance assessments for this variant to ClinVar after 2014 and classified the variant as pathogenic. Based on the evidence outlined above, the variant was classified as pathogenic.

Baylor Genetics
Classification: Pathogenic for Familial cancer of breast. Last evaluated: 2022-06-24. Review status: criteria provided, single submitter. Criteria: ACMG Guidelines, 2015. Collection method: clinical testing. Allele origin: unknown. Not counted in ClinVar's aggregate classification.

Color Diagnostics, LLC DBA Color Health
Classification: Pathogenic for Hereditary cancer-predisposing syndrome. Last evaluated: 2022-03-07. Review status: criteria provided, single submitter. Criteria: ACMG Guidelines, 2015. Collection method: clinical testing. Allele origin: germline. Not counted in ClinVar's aggregate classification.
Comment: This variant changes 1 nucleotide in exon 11 of the BRCA2 gene, creating a premature translation stop signal. This variant is expected to result in an absent or non-functional protein product. This variant has been reported in 3 individuals affected with ovarian cancer, 1 individual affected with breast cancer (PMID: 21324516, 22711857, 33808557, Color internal data), and has been identified in 4 families among the CIMBA participants (PMID: 29446198). In a large breast cancer case-control study conducted by the BRIDGES consortium, this variant was reported in 1/60466 cases and 1/53461 controls (OR=0.884. 95%CI 0.055 to 14.136; p-value=1) (PMID: 33471991; Leiden Open Variation Database DB-ID BRCA2_00436). This variant has not been identified in the general population by the Genome Aggregation Database (gnomAD). Loss of BRCA2 function is a known mechanism of disease. Based on the available evidence, this variant is classified as Pathogenic.

Sema4
Classification: Pathogenic for Hereditary cancer-predisposing syndrome. Last evaluated: 2021-11-05. Review status: criteria provided, single submitter. Criteria: Sema4 Curation Guidelines. Collection method: curation. Allele origin: germline. Not counted in ClinVar's aggregate classification.
Comment: The BRCA2 c.2409T>G (p.Y803X) has been reported in heterozygosity in at least 9 individuals with breast and/or ovarian cancer (PMID: 21324516, 21702907, 22711857, 29446198, 32885271, 33471991). This nonsense variant creates a premature stop codon at residue 803 of the BRCA2 protein. At this location, the variant is predicted to cause loss of normal protein function either through protein truncation or nonsense-mediated mRNA decay. Loss of function variants in BRCA2 are known to be pathogenic (PMID: 29446198). It was not observed in the large and broad cohorts of the Genome Aggregation Database (PMID: 32461654), but has been reported in ClinVar (Variation ID: 37784). Based on the current evidence available, this variant is interpreted as pathogenic.

GeneDx
Classification: Pathogenic. Last evaluated: 2021-01-05. Review status: criteria provided, single submitter. Criteria: GeneDx Variant Classification Process June 2021. Collection method: clinical testing. Allele origin: germline. Affected: yes. Not counted in ClinVar's aggregate classification.
Comment: Nonsense variant predicted to result in protein truncation or nonsense mediated decay in a gene for which loss-of-function is a known mechanism of disease; Observed in individuals with a personal and/or family history of BRCA2-related cancers (Zhang 2011, Alsop 2012, Rebbeck 2018); Truncating variants in this gene are considered pathogenic by a well-established clinical consortium and/or database; Not observed in large population cohorts (Lek 2016); This variant is associated with the following publications: (PMID: 21324516, 25525159, 22711857, 21702907, 29446198, 32885271)

Laboratory for Molecular Medicine, Mass General Brigham Personalized Medicine
Classification: Pathogenic for Hereditary breast ovarian cancer syndrome. Last evaluated: 2019-04-24. Review status: criteria provided, single submitter. Criteria: LMM Criteria. Collection method: clinical testing. Allele origin: germline. Inheritance: Autosomal dominant inheritance. Observed: 1 variant allele. Not counted in ClinVar's aggregate classification.
Comment: The p.Tyr803X variant in BRCA2 has been reported in at least 2 individuals with BRCA2-associated cancers (Breast Cancer Information Core (BIC) database, Zhang 2011) and was absent from large population studies. This nonsense variant leads to a premature termination codon at position 803, which is predicted to lead to a truncated or absent protein. Heterozygous loss of function of the BRCA2 gene is an established disease mechanism in hereditary breast and ovarian cancer (HBOC). In addition, this variant was classified as Pathogenic on September 8, 2016 by the ClinGen-approved ENIGMA expert panel (ClinVar SCV000300516.2). In summary, this variant meets our criteria to be classified as pathogenic for HBOC in an autosomal dominant manner based upon the predicted impact to the protein. ACMG/AMP Criteria applied: PVS1, PM2, PS4_Supporting.

NM_000059.4(BRCA2):c.2409T>G (p.Tyr803Ter)

Gene: BRCA2 (BRCA2 DNA repair associated; plus strand). Cytogenetic location: 13q13.1.
Variant type: single nucleotide variant.
Coding change: c.2409T>G on transcript NM_000059.4 (MANE Select); coding-DNA position 2409, T replaced by G.
Protein change: p.Tyr803Ter; replaces tyrosine 803 with a stop codon.
Molecular consequence: nonsense.
Genome position (GRCh38, 1-based): chr13:32,336,764, T>G. VCF-style: chr13-32336764-T-G. GRCh37 (hg19) VCF-style: chr13-32910901-T-G.
Other names: p.Y803*:TAT>TAG; 2637T>G; short protein forms Y803*.
Identifiers: ClinVar variation 37784 (VCV000037784.34), dbSNP rs80358504, ClinGen allele CA015152.
Genomic context (GRCh38, chr13:32,336,764, plus strand): 5'-CATGATTTCTAGAGGCAAAGAATCATACAAAATGTCAGACAAGCTCAAAGGTAACAATTA[T>G]GAATCTGATGTTGAATTAACCAAAAATATTCCCATGGAAAAGAATCAAGATGTATGTGCT-3'